The following is an entry in ClinVar:

NM_001103.4(ACTN2):c.2309A>G (p.Asn770Ser)

Gene: ACTN2 (actinin alpha 2; plus strand). Cytogenetic location: 1q43.
Variant type: single nucleotide variant.
Coding change: c.2309A>G on transcript NM_001103.4 (MANE Select); coding-DNA position 2309, A replaced by G.
Protein change: p.Asn770Ser; replaces asparagine 770 with serine.
Molecular consequence: missense variant. On other transcripts: non-coding transcript variant (1).
Genome position (GRCh38, 1-based): chr1:236,759,731, A>G. VCF-style: chr1-236759731-A-G. GRCh37 (hg19) VCF-style: chr1-236923031-A-G.
Other names: c.2309A>G, p.Asn770Ser (NM_001278343.2); c.1685A>G, p.Asn562Ser (NM_001278344.2); c.1559A>G, p.Asn520Ser (NM_001412150.1); short protein forms N520S, N562S, N770S.
Identifiers: ClinVar variation 2507203 (VCV002507203.1), dbSNP rs1354437013, ClinGen allele CA345390090.

ClinVar aggregate classification (germline): Uncertain significance (1 of 4 stars; one submission).

Allele frequency attached by ClinVar (database versions not stated): gnomAD exomes below 0.00001.
gnomAD v4.1: 2 of 1,614,112 alleles (0.00012%); highest among the groups gnomAD compares: East Asian, 0.0022%; no homozygotes.

Submission:

GeneDx
Classification: Uncertain significance. Last evaluated: 2023-01-03. Review status: criteria provided, single submitter. Criteria: GeneDx Variant Classification Process June 2021. Collection method: clinical testing. Allele origin: germline. Affected: yes.
Comment: Not observed at significant frequency in large population cohorts (gnomAD); In silico analysis supports that this missense variant does not alter protein structure/function; Has not been previously published as pathogenic or benign to our knowledge